The following is an entry in ClinVar:

ClinVar aggregate classification (germline): Uncertain significance. Review status: criteria provided, multiple submitters, no conflicts (2 of 4 stars). 2 submissions from 2 submitters: Uncertain significance (2). Last evaluated 2025-05-09.

gnomAD v4.1: 1 of 1,614,224 alleles (0.000062%); highest among the groups gnomAD compares: Non-Finnish European, 0.000085%; no homozygotes.

Submissions (2):

Labcorp Genetics (formerly Invitae), Labcorp
Classification: Uncertain significance. Last evaluated: 2025-05-09. Review status: criteria provided, single submitter. Criteria: Invitae Variant Classification Sherloc (09022015). Collection method: clinical testing. Allele origin: germline.
Comment: This sequence change replaces serine, which is neutral and polar, with phenylalanine, which is neutral and non-polar, at codon 1817 of the KMT2E protein (p.Ser1817Phe). This variant is not present in population databases (gnomAD no frequency). This variant has not been reported in the literature in individuals affected with KMT2E-related conditions. An algorithm developed to predict the effect of missense changes on protein structure and function (PolyPhen-2) suggests that this variant is likely to be disruptive. In summary, the available evidence is currently insufficient to determine the role of this variant in disease. Therefore, it has been classified as a Variant of Uncertain Significance.

GeneDx
Classification: Uncertain significance. Last evaluated: 2025-04-21. Review status: criteria provided, single submitter. Criteria: GeneDx Variant Classification Process June 2021. Collection method: clinical testing. Allele origin: germline. Affected: yes.
Comment: Not observed at significant frequency in large population cohorts (gnomAD); In silico analysis indicates that this missense variant does not alter protein structure/function; Has not been previously published as pathogenic or benign to our knowledge

NM_182931.3(KMT2E):c.5450C>T (p.Ser1817Phe)

Gene: KMT2E (lysine methyltransferase 2E (inactive); plus strand). Cytogenetic location: 7q22.3.
Variant type: single nucleotide variant.
Coding change: c.5450C>T on transcript NM_182931.3 (MANE Select); coding-DNA position 5450, C replaced by T.
Protein change: p.Ser1817Phe; replaces serine 1817 with phenylalanine.
Molecular consequence: missense variant.
Genome position (GRCh38, 1-based): chr7:105,113,206, C>T. VCF-style: chr7-105113206-C-T. GRCh37 (hg19) VCF-style: chr7-104753653-C-T.
Other names: c.5324C>T, p.Ser1775Phe (NM_001410908.1); c.5450C>T, p.Ser1817Phe (NM_018682.4); short protein forms S1775F, S1817F.
Identifiers: ClinVar variation 4527241 (VCV004527241.2).